The following is an entry in ClinVar:

ClinVar aggregate classification (germline): Uncertain significance. Review status: criteria provided, multiple submitters, no conflicts (2 of 4 stars). 3 submissions from 3 submitters: Uncertain significance (2). 1 of the submissions does not count toward it. Last evaluated 2024-12-21.

Conditions:
TJP2-related disorder. Also called: TJP2-related condition.

Allele frequency attached by ClinVar (database versions not stated): gnomAD 0.00001 and 0.00005; gnomAD exomes 0.00003 and 0.00012; TOPMed 0.00003; ExAC 0.00010; 1000 Genomes Project 30x 0.00078; 1000 Genomes Project 0.00100.
gnomAD v4.1: 45 of 1,614,178 alleles (0.0028%); highest among the groups gnomAD compares: East Asian, 0.096%; no homozygotes.

Submissions (3):

Labcorp Genetics (formerly Invitae), Labcorp
Classification: Uncertain significance. Last evaluated: 2024-12-21. Review status: criteria provided, single submitter. Criteria: Invitae Variant Classification Sherloc (09022015). Collection method: clinical testing. Allele origin: germline.
Comment: This sequence change replaces glutamic acid, which is acidic and polar, with lysine, which is basic and polar, at codon 1026 of the TJP2 protein (p.Glu1026Lys). This variant is present in population databases (rs201202451, gnomAD 0.2%). This variant has not been reported in the literature in individuals affected with TJP2-related conditions. ClinVar contains an entry for this variant (Variation ID: 595175). An algorithm developed to predict the effect of missense changes on protein structure and function (PolyPhen-2) suggests that this variant¬†is likely to be tolerated. In summary, the available evidence is currently insufficient to determine the role of this variant in disease. Therefore, it has been classified as a Variant of Uncertain Significance.

Eurofins Ntd Llc (ga)
Classification: Uncertain significance. Last evaluated: 2017-11-28. Review status: criteria provided, single submitter. Criteria: EGL Classification Definitions 2015. Collection method: clinical testing. Allele origin: germline. Observed: 1 variant allele, 1 heterozygote.

PreventionGenetics, part of Exact Sciences
Classification: Likely benign for TJP2-related condition. Last evaluated: 2022-08-26. Review status: no assertion criteria provided. Collection method: clinical testing. Allele origin: germline. Not counted in ClinVar's aggregate classification.
Comment: This variant is classified as likely benign based on ACMG/AMP sequence variant interpretation guidelines (Richards et al. 2015 PMID: 25741868, with internal and published modifications).

NM_004817.4(TJP2):c.3076G>A (p.Glu1026Lys)

Gene: TJP2 (tight junction protein 2; plus strand). Cytogenetic location: 9q21.11.
Variant type: single nucleotide variant.
Coding change: c.3076G>A on transcript NM_004817.4 (MANE Select); coding-DNA position 3076, G replaced by A.
Protein change: p.Glu1026Lys; replaces glutamic acid 1026 with lysine.
Molecular consequence: missense variant. On other transcripts: intron variant (3).
Genome position (GRCh38, 1-based): chr9:69,251,119, G>A. VCF-style: chr9-69251119-G-A. GRCh37 (hg19) VCF-style: chr9-71866035-G-A.
Other names: c.3076G>A, p.Glu1026Lys (LRG_1201t1); c.2977G>A, p.Glu993Lys (NM_001170415.1); c.3169G>A, p.Glu1057Lys (NM_001170416.2); c.3001G>A, p.Glu1001Lys (NM_001369870.1); c.3007G>A, p.Glu1003Lys (NM_001369871.1); c.2965G>A, p.Glu989Lys (NM_001369872.1); c.2752G>A, p.Glu918Lys (NM_001369873.1); c.3088G>A, p.Glu1030Lys (NM_001369875.1); and 4 more; short protein forms E1026K, E989K, E1003K, E1001K, E1057K, E918K, E993K, E1030K.
Identifiers: ClinVar variation 595175 (VCV000595175.10), dbSNP rs201202451, ClinGen allele CA5073881.
Genomic context (GRCh38, chr9:69,251,119, plus strand): 5'-TCCTATGACTTCTCCAAATCCTATGAATATAAGTCAAACCCCTCTGCCGTTGCTGGTAAT[G>A]AAACTCCTGGGGCATCTACCAAAGGTTATCCTCCTCCTGTTGCAGCAAAACCTACCTTTG-3'
Protein context (NP_004808.2, residues 1016-1036): KSNPSAVAGN[Glu1026Lys]TPGASTKGYP